The following is an entry in ClinVar:

NM_030665.4(RAI1):c.2163_2165del (p.Thr723del)

Gene: RAI1 (retinoic acid induced 1; plus strand). Cytogenetic location: 17p11.2.
Variant type: Deletion.
Coding change: c.2163_2165del on transcript NM_030665.4 (MANE Select); coding-DNA positions 2163 to 2165, 3 bases deleted (CAC; older notation c.2163_2165delCAC).
Protein change: p.Thr723del; deletes threonine 723.
Molecular consequence: inframe deletion.
Genome position (GRCh38, 1-based): chr17:17,795,111-17,795,113, CAC deleted; deleting any 3 consecutive bases within chr17:17,795,110-17,795,113 gives the same sequence; the c. name uses the placement nearest the transcript's 3' end. VCF-style (leftmost placement, unchanged base first): chr17-17795109-CCCA-C. GRCh37 (hg19) VCF-style: chr17-17698423-CCCA-C.
Other names: short protein forms T723del.
Identifiers: ClinVar variation 1786939 (VCV001786939.3), dbSNP rs2508579872, ClinGen allele CA2580092736.

ClinVar aggregate classification (germline): Uncertain significance. Review status: criteria provided, single submitter (1 of 4 stars). 2 submissions from 2 submitters: Uncertain significance (1). 1 of the submissions does not count toward it. Last evaluated 2019-02-17.

Conditions:
Inborn genetic diseases. Identifiers: MedGen C0950123, MeSH D030342.
RAI1-related disorder. Also called: RAI1-related condition.

Submissions (2):

Ambry Genetics
Classification: Uncertain significance for Inborn genetic diseases. Last evaluated: 2019-02-17. Review status: criteria provided, single submitter. Criteria: Ambry Variant Classification Scheme 2023. Collection method: clinical testing. Allele origin: germline.
Comment: The c.2163_2165delCAC variant (also known as p.T723del) is located in coding exon 1 of the RAI1 gene. This variant results from an in-frame CAC deletion at nucleotide positions 2163 to 2165. This results in the in-frame deletion of a threonine at codon 723. This amino acid position is not well conserved in available vertebrate species. In addition, this alteration is predicted to be neutral by in silico analysis (Choi Y et al., PLoS ONE 2012; 7(10):e46688). Since supporting evidence is limited at this time, the clinical significance of this alteration remains unclear.

PreventionGenetics, part of Exact Sciences
Classification: Uncertain significance for RAI1-related condition. Last evaluated: 2023-11-11. Review status: no assertion criteria provided. Collection method: clinical testing. Allele origin: germline. Not counted in ClinVar's aggregate classification.
Comment: The RAI1 c.2163_2165delCAC variant is predicted to result in an in-frame deletion (p.Thr723del). To our knowledge, this variant has not been reported in the literature or in a large population database, indicating this variant is rare. At this time, the clinical significance of this variant is uncertain due to the absence of conclusive functional and genetic evidence.